The following is an entry in ClinVar:

NM_001144967.3(NEDD4L):c.2204T>G (p.Phe735Cys)

Gene: NEDD4L (NEDD4 like E3 ubiquitin protein ligase; plus strand). Cytogenetic location: 18q21.31.
Variant type: single nucleotide variant.
Coding change: c.2204T>G on transcript NM_001144967.3 (MANE Select); coding-DNA position 2204, T replaced by G.
Protein change: p.Phe735Cys; replaces phenylalanine 735 with cysteine.
Molecular consequence: missense variant.
Genome position (GRCh38, 1-based): chr18:58,370,415, T>G. VCF-style: chr18-58370415-T-G. GRCh37 (hg19) VCF-style: chr18-56037647-T-G.
Other names: c.1841T>G, p.Phe614Cys (NM_001144964.1, NM_001144965.2, NM_001144966.3); c.2180T>G, p.Phe727Cys (NM_001144968.2); c.2120T>G, p.Phe707Cys (NM_001144969.2); c.1781T>G, p.Phe594Cys (NM_001144970.3, NM_001144971.2); c.2012T>G, p.Phe671Cys (NM_001243960.2); c.2144T>G, p.Phe715Cys (NM_015277.6); short protein forms F594C, F614C, F671C, F707C, F715C, F727C, F735C.
Identifiers: ClinVar variation 3774667 (VCV003774667.1).

ClinVar aggregate classification (germline): Uncertain significance (1 of 4 stars; one submission).

Submission:

GeneDx
Classification: Uncertain significance. Last evaluated: 2024-09-27. Review status: criteria provided, single submitter. Criteria: GeneDx Variant Classification Process June 2021. Collection method: clinical testing. Allele origin: germline. Affected: yes.
Comment: Not observed at significant frequency in large population cohorts (gnomAD); In silico analysis supports that this missense variant has a deleterious effect on protein structure/function; Has not been previously published as pathogenic or benign to our knowledge